The following is an entry in ClinVar:

NM_001378743.1(CYLD):c.170A>G (p.His57Arg)

Gene: CYLD (CYLD lysine 63 deubiquitinase; plus strand). Cytogenetic location: 16q12.1.
Variant type: single nucleotide variant.
Coding change: c.170A>G on transcript NM_001378743.1 (MANE Select); coding-DNA position 170, A replaced by G.
Protein change: p.His57Arg; replaces histidine 57 with arginine.
Molecular consequence: missense variant. On other transcripts: 5 prime UTR variant (2), non-coding transcript variant (1).
Genome position (GRCh38, 1-based): chr16:50,749,868, A>G. VCF-style: chr16-50749868-A-G. GRCh37 (hg19) VCF-style: chr16-50783779-A-G.
Other names: c.170A>G, p.His57Arg (NM_001042355.2, NM_001042412.3, NM_001378744.1 and 10 more transcripts); c.-493A>G (NM_001378754.1, NM_001378755.1); short protein forms H57R.
Identifiers: ClinVar variation 1327096 (VCV001327096.2), dbSNP rs767537235, ClinGen allele CA8052139.

ClinVar aggregate classification (germline): Uncertain significance. Review status: criteria provided, single submitter (1 of 4 stars). 2 submissions from 1 submitter: Uncertain significance (2). Last evaluated 2024-02-29.

Conditions:
Frontotemporal dementia and/or amyotrophic lateral sclerosis 8. Identifiers: MedGen C5436881, MONDO:0030872, OMIM 619132.
Brooke-Spiegler syndrome. Also called: CYLD Cutaneous Syndrome. Identifiers: Orphanet 79493, MedGen C1857941, MONDO:0011512, OMIM 605041.

Allele frequency attached by ClinVar (database versions not stated): TOPMed 0.00001; ExAC 0.00002; gnomAD exomes below 0.00001 and 0.00001; gnomAD 0.00001.
gnomAD v4.1: 5 of 1,614,052 alleles (0.00031%); highest among the groups gnomAD compares: South Asian, 0.0011%; no homozygotes.

Submissions (2):

Baylor Genetics
Classification: Uncertain significance for Frontotemporal dementia and/or amyotrophic lateral sclerosis 8. Last evaluated: 2024-02-29. Review status: criteria provided, single submitter. Criteria: ACMG Guidelines, 2015. Collection method: clinical testing. Allele origin: unknown.

Baylor Genetics
Classification: Uncertain significance for Brooke-Spiegler syndrome. Last evaluated: 2021-01-26. Review status: criteria provided, single submitter. Criteria: ACMG Guidelines, 2015. Collection method: clinical testing. Allele origin: unknown. Affected: yes. Study: CSER-TexasKidsCanSeq.
Comment: This variant was determined to be of uncertain significance according to ACMG Guidelines, 2015 [PMID:25741868].